The following is an entry in ClinVar:

ClinVar aggregate classification (germline): Likely benign. Review status: criteria provided, multiple submitters, no conflicts (2 of 4 stars). 3 submissions from 3 submitters: Likely benign (3). Last evaluated 2026-05-01.

Allele frequency attached by ClinVar (database versions not stated): gnomAD 0.00001; gnomAD exomes 0.00002; TOPMed 0.00002; ExAC 0.00003.
gnomAD v4.1: 29 of 1,597,578 alleles (0.0018%); highest among the groups gnomAD compares: East Asian, 0.0046%; no homozygotes.

Submissions (3):

CeGaT Center for Human Genetics Tuebingen
Classification: Likely benign. Last evaluated: 2026-05-01. Review status: criteria provided, single submitter. Criteria: CeGaT Center For Human Genetics Tuebingen Variant Classification Criteria Version 2. Collection method: clinical testing. Allele origin: germline. Affected: yes. Observed: 1 variant allele.
Comment: FLAD1: BP4, BP7

Labcorp Genetics (formerly Invitae), Labcorp
Classification: Likely benign. Last evaluated: 2025-12-16. Review status: criteria provided, single submitter. Criteria: Invitae Variant Classification Sherloc (09022015). Collection method: clinical testing. Allele origin: germline.

GeneDx
Classification: Likely benign. Last evaluated: 2017-02-14. Review status: criteria provided, single submitter. Criteria: GeneDx Variant Classification (06012015). Collection method: clinical testing. Allele origin: germline. Affected: yes.
Comment: This variant is considered likely benign or benign based on one or more of the following criteria: it is a conservative change, it occurs at a poorly conserved position in the protein, it is predicted to be benign by multiple in silico algorithms, and/or has population frequency not consistent with disease.

NM_025207.5(FLAD1):c.1212C>T (p.Asn404=)

Gene: FLAD1 (flavin adenine dinucleotide synthetase 1; plus strand). Cytogenetic location: 1q21.3.
Variant type: single nucleotide variant.
Coding change: c.1212C>T on transcript NM_025207.5 (MANE Select); coding-DNA position 1212, C replaced by T.
Protein change: p.Asn404=; no amino-acid change (asparagine 404 retained).
Molecular consequence: synonymous variant.
Genome position (GRCh38, 1-based): chr1:154,989,654, C>T. VCF-style: chr1-154989654-C-T. GRCh37 (hg19) VCF-style: chr1-154962130-C-T.
Other names: c.921C>T, p.Asn307= (NM_001184891.2, NM_201398.3).
Identifiers: ClinVar variation 507353 (VCV000507353.9), dbSNP rs751432092, ClinGen allele CA1134505.